The following is an entry in ClinVar:

ClinVar aggregate classification (germline): Uncertain significance (1 of 4 stars; one submission).

Conditions:
Neuropathy, hereditary sensory and autonomic, type 2A (HSAN2A). Also called: HSAN IIA; WNK1-Related HSAN2 (HSAN2A); ACROOSTEOLYSIS, GIACCAI TYPE; ACROOSTEOLYSIS, NEUROGENIC; MORVAN DISEASE; NEUROPATHY, CONGENITAL SENSORY. Identifiers: Orphanet 970, MedGen C2752089, MONDO:0024309, OMIM 201300.
Pseudohypoaldosteronism type 2C (PHA2C). Also called: Pseudohypoaldosteronism Type IIC. Identifiers: Orphanet 757, Orphanet 88940, MedGen C1840391, MONDO:0013778, OMIM 614492.

Allele frequency attached by ClinVar (database versions not stated): 1000 Genomes Project 0.00020; gnomAD exomes 0.00001; gnomAD 0.00003; TOPMed 0.00004; 1000 Genomes Project 30x 0.00016.

Submission:

Labcorp Genetics (formerly Invitae), Labcorp
Classification: Uncertain significance for Neuropathy, hereditary sensory and autonomic, type 2A; Pseudohypoaldosteronism type 2C. Last evaluated: 2025-08-10. Review status: criteria provided, single submitter. Criteria: Invitae Variant Classification Sherloc (09022015). Collection method: clinical testing. Allele origin: germline.
Comment: This sequence change replaces methionine, which is neutral and non-polar, with valine, which is neutral and non-polar, at codon 1488 of the WNK1 protein (p.Met1488Val). This variant is not present in population databases (gnomAD no frequency). This variant has not been reported in the literature in individuals affected with WNK1-related conditions. ClinVar contains an entry for this variant (Variation ID: 2923258). Invitae Evidence Modeling of protein sequence and biophysical properties (such as structural, functional, and spatial information, amino acid conservation, physicochemical variation, residue mobility, and thermodynamic stability) indicates that this missense variant is not expected to disrupt WNK1 protein function with a negative predictive value of 95%. In summary, the available evidence is currently insufficient to determine the role of this variant in disease. Therefore, it has been classified as a Variant of Uncertain Significance.

NM_018979.4(WNK1):c.3706A>G (p.Met1236Val)

Gene: WNK1 (WNK lysine deficient protein kinase 1; plus strand). Cytogenetic location: 12p13.33.
Variant type: single nucleotide variant.
Coding change: c.3706A>G on transcript NM_018979.4 (MANE Select); coding-DNA position 3706, A replaced by G.
Protein change: p.Met1236Val; replaces methionine 1236 with valine.
Molecular consequence: missense variant.
Genome position (GRCh38, 1-based): chr12:883,816, A>G. VCF-style: chr12-883816-A-G. GRCh37 (hg19) VCF-style: chr12-992982-A-G.
Other names: c.4486A>G, p.Met1496Val (NM_001184985.2); c.2965A>G, p.Met989Val (NM_014823.3); c.4462A>G, p.Met1488Val (NM_213655.5); short protein forms M1496V, M1236V, M1488V, M989V.
Identifiers: ClinVar variation 2923258 (VCV002923258.3), dbSNP rs568133374, ClinGen allele CA231478593.
Genomic context (GRCh38, chr12:883,816, plus strand): 5'-CACTTTTGTTTGTTGTAGAAATTGGAAGGAGAGTTCAAACAACCAATTCCTGCGTCTTCC[A>G]TGCCACAGCAAATAGGTGAATTTATTTTCTTTCCTTGTTTTTACCTTTGACTTAAGAAGC-3'
Protein context (NP_061852.3, residues 1226-1246): EFKQPIPASS[Met1236Val]PQQIGIPTSS